The following is an entry in ClinVar:

ClinVar aggregate classification (germline): Benign. Review status: criteria provided, multiple submitters, no conflicts (2 of 4 stars). 3 submissions from 3 submitters: Benign (3). Last evaluated 2024-01-24.

Allele frequency attached by ClinVar (database versions not stated): gnomAD exomes 0.33561 and 0.37777; ESP Exome Variant Server 0.35012; gnomAD 0.35260 and 0.35522; TOPMed 0.36971; ExAC 0.37807; 1000 Genomes Project 0.43371; 1000 Genomes Project 30x 0.43816.
gnomAD v4.1: 539,992 of 1,597,490 alleles (34%); highest among the groups gnomAD compares: Admixed American, 48%; 93,413 homozygotes.

Submissions (3):

Unidad de Genómica Garrahan, Hospital de Pediatría Garrahan
Classification: Benign. Last evaluated: 2024-01-24. Review status: criteria provided, single submitter. Criteria: ACMG Guidelines, 2015. Collection method: clinical testing. Allele origin: germline. Affected: no. Observed: 60 variant alleles.
Comment: This variant is classified as Benign based on local population frequency. This variant was detected in 68% of patients studied by a panel of primary immunodeficiencies. Number of patients: 60. Only high quality variants are reported.

GeneDx
Classification: Benign. Last evaluated: 2018-06-23. Review status: criteria provided, single submitter. Criteria: GeneDx Variant Classification Process June 2021. Collection method: clinical testing. Allele origin: germline. Affected: yes.

Breakthrough Genomics
Classification: Benign. Review status: criteria provided, single submitter. Criteria: ACMG Guidelines, 2015. Collection method: not provided. Allele origin: germline. Inheritance: Autosomal recessive inheritance. Affected: yes.

NM_000215.4(JAK3):c.2978+32T>C

Gene: JAK3 (Janus kinase 3; minus strand). Cytogenetic location: 19p13.11.
Variant type: single nucleotide variant.
Coding change: c.2978+32T>C on transcript NM_000215.4 (MANE Select); 32 bases into the intron after coding-DNA position 2978, T replaced by C.
Molecular consequence: intron variant.
Genome position (GRCh38, 1-based): chr19:17,831,196, A>G on the plus strand (T>C on the coding strand, the complement: JAK3 is on the minus strand). VCF-style: chr19-17831196-A-G. GRCh37 (hg19) VCF-style: chr19-17942005-A-G.
Identifiers: ClinVar variation 1241957 (VCV001241957.5), dbSNP rs3212774, ClinGen allele CA9301470.